The following is an entry in ClinVar:

NM_005076.5(CNTN2):c.2657T>A (p.Val886Glu)

Gene: CNTN2 (contactin 2; plus strand). Cytogenetic location: 1q32.1.
Variant type: single nucleotide variant.
Coding change: c.2657T>A on transcript NM_005076.5 (MANE Select); coding-DNA position 2657, T replaced by A.
Protein change: p.Val886Glu; replaces valine 886 with glutamic acid.
Molecular consequence: missense variant. On other transcripts: non-coding transcript variant (1).
Genome position (GRCh38, 1-based): chr1:205,072,059, T>A. VCF-style: chr1-205072059-T-A. GRCh37 (hg19) VCF-style: chr1-205041187-T-A.
Other names: c.2657T>A, p.Val886Glu (NM_001346083.2); short protein forms V886E.
Identifiers: ClinVar variation 391138 (VCV000391138.2), dbSNP rs1057523981, ClinGen allele CA16603526.
Genomic context (GRCh38, chr1:205,072,059, plus strand): 5'-CAGCAGGGCTGGACACCAGTGCCCGAGTCAGCGGCCTGCATCCCAACACCAAGTACCATG[T>A]GACCGTGAGGGCCTACAACCGGGCTGGCACTGGGCCTGCCAGCCCTTCTGCCAACGCCAC-3'
Protein context (NP_005067.1, residues 876-896): SGLHPNTKYH[Val886Glu]TVRAYNRAGT

ClinVar aggregate classification (germline): Uncertain significance (1 of 4 stars; one submission).

Submission:

GeneDx
Classification: Uncertain significance. Last evaluated: 2016-12-19. Review status: criteria provided, single submitter. Criteria: GeneDx Variant Classification (06012015). Collection method: clinical testing. Allele origin: germline. Affected: yes.
Comment: The de novo V886E variant in the CNTN2 gene has not been reported previously as a pathogenic variant, nor as a benign variant, to our knowledge. The V886E variant was not observed in approximately 6,500 individuals of European and African American ancestry in the NHLBI Exome Sequencing Project, indicating it is not a common benign variant in these populations. The V886E variant is a non-conservative amino acid substitution, which is likely to impact secondary protein structure as these residues differ in polarity, charge, size and/or other properties. This substitution occurs at a position where amino acids with similar properties to Valine are tolerated across species. In silico analysis predicts this variant is probably damaging to the protein structure/function. We interpret V886E as a variant of uncertain significance.